The following is an entry in ClinVar:

ClinVar aggregate classification (germline): Uncertain significance. Review status: criteria provided, multiple submitters, no conflicts (2 of 4 stars). 3 submissions from 3 submitters: Uncertain significance (2). 1 of the submissions does not count toward it. Last evaluated 2025-08-25.

Conditions:
ANXA11-related disorder. Also called: ANXA11-related condition.
Inborn genetic diseases. Identifiers: MedGen C0950123, MeSH D030342.

Allele frequency attached by ClinVar (database versions not stated): ExAC 0.00001; gnomAD 0.00007; TOPMed 0.00015.
gnomAD v4.1: 30 of 1,604,270 alleles (0.0019%); highest among the groups gnomAD compares: Admixed American, 0.018%; no homozygotes.

Submissions (3):

Labcorp Genetics (formerly Invitae), Labcorp
Classification: Uncertain significance. Last evaluated: 2025-08-25. Review status: criteria provided, single submitter. Criteria: Invitae Variant Classification Sherloc (09022015). Collection method: clinical testing. Allele origin: germline.
Comment: This sequence change replaces alanine, which is neutral and non-polar, with valine, which is neutral and non-polar, at codon 58 of the ANXA11 protein (p.Ala58Val). The frequency data for this variant in the population databases is considered unreliable, as metrics indicate poor data quality at this position in the gnomAD database. This variant has not been reported in the literature in individuals affected with ANXA11-related conditions. ClinVar contains an entry for this variant (Variation ID: 2513495). Experimental studies and prediction algorithms are not available or were not evaluated, and the functional significance of this variant is currently unknown. In summary, the available evidence is currently insufficient to determine the role of this variant in disease. Therefore, it has been classified as a Variant of Uncertain Significance.

Ambry Genetics
Classification: Uncertain significance for Inborn genetic diseases. Last evaluated: 2023-04-25. Review status: criteria provided, single submitter. Criteria: Ambry Variant Classification Scheme 2023. Collection method: clinical testing. Allele origin: germline.

PreventionGenetics, part of Exact Sciences
Classification: Uncertain significance for ANXA11-related condition. Last evaluated: 2024-06-16. Review status: no assertion criteria provided. Collection method: clinical testing. Allele origin: germline. Not counted in ClinVar's aggregate classification.
Comment: The ANXA11 c.173C>T variant is predicted to result in the amino acid substitution p.Ala58Val. To our knowledge, this variant has not been reported in the literature. This variant is reported in 0.0066% of alleles in individuals of South Asian descent in gnomAD. At this time, the clinical significance of this variant is uncertain due to the absence of conclusive functional and genetic evidence.

NM_145868.2(ANXA11):c.173C>T (p.Ala58Val)

Gene: ANXA11 (annexin A11; minus strand). Cytogenetic location: 10q22.3.
Variant type: single nucleotide variant.
Coding change: c.173C>T on transcript NM_145868.2 (MANE Select); coding-DNA position 173, C replaced by T.
Protein change: p.Ala58Val; replaces alanine 58 with valine.
Molecular consequence: missense variant.
Genome position (GRCh38, 1-based): chr10:80,169,357, G>A on the plus strand (C>T on the coding strand, the complement: ANXA11 is on the minus strand). VCF-style: chr10-80169357-G-A. GRCh37 (hg19) VCF-style: chr10-81929113-G-A.
Other names: c.173C>T (NM_145869.1); c.173C>T, p.Ala58Val (NM_001157.3, NM_001278407.2, NM_001278408.2 and 1 more transcripts); c.74C>T, p.Ala25Val (NM_001278409.2); short protein forms A25V, A58V.
Identifiers: ClinVar variation 2513495 (VCV002513495.4), dbSNP rs761377370, ClinGen allele CA5576344.
Genomic context (GRCh38, chr10:80,169,357, plus strand): 5'-GGGGCCCCAGGGTACAGGTTGGGCATGTTGGCTCCTCCAAATGTCCCAGACATGTTGGCC[G>A]CCTGCAAGGACACAAAGCAGAGCCTGAGGCCAATGGGCCCTGCTGCACTCCGTCCCTCCA-3'
Protein context (NP_665875.1, residues 48-68): QFNQDYLSGM[Ala58Val]ANMSGTFGGA